The following is an entry in ClinVar:

NM_173354.5(SIK1):c.796C>T (p.Arg266Cys)

Gene: SIK1 (salt inducible kinase 1; minus strand). Cytogenetic location: 21q22.3.
Variant type: single nucleotide variant.
Coding change: c.796C>T on transcript NM_173354.5 (MANE Select); coding-DNA position 796, C replaced by T.
Protein change: p.Arg266Cys; replaces arginine 266 with cysteine.
Molecular consequence: missense variant.
Genome position (GRCh38, 1-based): chr21:43,420,410, G>A on the plus strand (C>T on the coding strand, the complement: SIK1 is on the minus strand). VCF-style: chr21-43420410-G-A. GRCh37 (hg19) VCF-style: chr21-44840290-G-A.
Other names: short protein forms R266C.
Identifiers: ClinVar variation 1417540 (VCV001417540.8), dbSNP rs760635907, ClinGen allele CA321326935.

ClinVar aggregate classification (germline): Uncertain significance (1 of 4 stars; one submission).

Conditions:
Developmental and epileptic encephalopathy, 30 (DEE30). Also called: Epileptic encephalopathy, early infantile, 30. Identifiers: MedGen C4225360, MONDO:0014595, OMIM 616341.

Allele frequency attached by ClinVar (database versions not stated): ExAC 0.00002.

Submission:

Labcorp Genetics (formerly Invitae), Labcorp
Classification: Uncertain significance for Developmental and epileptic encephalopathy, 30. Last evaluated: 2026-01-06. Review status: criteria provided, single submitter. Criteria: Invitae Variant Classification Sherloc (09022015). Collection method: clinical testing. Allele origin: germline.
Comment: This sequence change replaces arginine, which is basic and polar, with cysteine, which is neutral and slightly polar, at codon 266 of the SIK1 protein (p.Arg266Cys). The frequency data for this variant in the population databases is considered unreliable, as metrics indicate poor data quality at this position in the gnomAD database. This variant has not been reported in the literature in individuals affected with SIK1-related conditions. ClinVar contains an entry for this variant (Variation ID: 1417540). Invitae Evidence Modeling of protein sequence and biophysical properties (such as structural, functional, and spatial information, amino acid conservation, physicochemical variation, residue mobility, and thermodynamic stability) indicates that this missense variant is expected to disrupt SIK1 protein function with a positive predictive value of 95%. In summary, the available evidence is currently insufficient to determine the role of this variant in disease. Therefore, it has been classified as a Variant of Uncertain Significance.